The following is an entry in ClinVar:

NM_000069.3(CACNA1S):c.3747G>C (p.Arg1249=)

Gene: CACNA1S (calcium voltage-gated channel subunit alpha1 S; minus strand). Cytogenetic location: 1q32.1.
Variant type: single nucleotide variant.
Coding change: c.3747G>C on transcript NM_000069.3 (MANE Select); coding-DNA position 3747, G replaced by C.
Protein change: p.Arg1249=; no amino-acid change (arginine 1249 retained).
Molecular consequence: synonymous variant.
Genome position (GRCh38, 1-based): chr1:201,053,507, C>G on the plus strand (G>C on the coding strand, the complement: CACNA1S is on the minus strand). VCF-style: chr1-201053507-C-G. GRCh37 (hg19) VCF-style: chr1-201022635-C-G.
Identifiers: ClinVar variation 3386321 (VCV003386321.1).

ClinVar aggregate classification (germline): Likely benign (1 of 4 stars; one submission).

Conditions:
Malignant hyperthermia, susceptibility to, 5 (MHS5). Also called: CACNA1S-Related Malignant Hyperthermia Susceptibility. Identifiers: Orphanet 423, MedGen C1866077, MONDO:0011163, OMIM 601887.

Submission:

All of Us Research Program, National Institutes of Health
Classification: Likely benign for Malignant hyperthermia, susceptibility to, 5. Last evaluated: 2024-07-20. Review status: criteria provided, single submitter. Criteria: ACMG Guidelines, 2015. Collection method: clinical testing. Allele origin: germline. Inheritance: Autosomal dominant inheritance. Observed: 2 variant alleles, 2 heterozygotes.
Comment: This study involves interpretation of variants in research participants for the purpose of population health screening. Participant phenotype was not available at the time of variant classification. Additional details can be found in publication PMID: 35346344, PMCID: PMC8962531